The following is an entry in ClinVar:

NM_005236.3(ERCC4):c.1852C>T (p.Arg618Cys)

Gene: ERCC4 (ERCC excision repair 4, endonuclease catalytic subunit; plus strand). Cytogenetic location: 16p13.12.
Variant type: single nucleotide variant.
Coding change: c.1852C>T on transcript NM_005236.3 (MANE Select); coding-DNA position 1852, C replaced by T.
Protein change: p.Arg618Cys; replaces arginine 618 with cysteine.
Molecular consequence: missense variant.
Genome position (GRCh38, 1-based): chr16:13,937,806, C>T. VCF-style: chr16-13937806-C-T. GRCh37 (hg19) VCF-style: chr16-14031663-C-T.
Other names: short protein forms R618C.
Identifiers: ClinVar variation 2047760 (VCV002047760.4), dbSNP rs373565480, ClinGen allele CA7910573.
Genomic context (GRCh38, chr16:13,937,806, plus strand): 5'-AGTTCTGTCTTAACATGCAGGGTTTACTTTCTTATATACGGAGGTTCAACTGAGGAACAA[C>T]GCTATCTCACTGCTTTGCGGAAAGAAAAGGAAGCTTTTGAAAAACTCATAAGGTAATACA-3'
Protein context (NP_005227.1, residues 608-628): LIYGGSTEEQ[Arg618Cys]YLTALRKEKE

ClinVar aggregate classification (germline): Uncertain significance. Review status: criteria provided, multiple submitters, no conflicts (2 of 4 stars). 2 submissions from 2 submitters: Uncertain significance (2). Last evaluated 2022-07-23.

Conditions:
Fanconi anemia complementation group Q. Identifiers: Orphanet 84, MedGen C3808988, MONDO:0014108, OMIM 615272.
Xeroderma pigmentosum, group F (XPF). Also called: XERODERMA PIGMENTOSUM VI; XP, GROUP F; XERODERMA PIGMENTOSUM, TYPE F; Xeroderma pigmentosum, type 6; XERODERMA PIGMENTOSUM, COMPLEMENTATION GROUP F; ERCC4-Related Xeroderma Pigmentosum. Identifiers: MedGen C0268140, MONDO:0010215, OMIM 278760.
Cockayne syndrome. Identifiers: Orphanet 191, MedGen C0009207, MONDO:0016006.

Allele frequency attached by ClinVar (database versions not stated): gnomAD 0.00001; TOPMed 0.00001; ExAC 0.00002; gnomAD exomes 0.00002.
gnomAD v4.1: 26 of 1,613,412 alleles (0.0016%); highest among the groups gnomAD compares: South Asian, 0.0022%; no homozygotes.

Submissions (2):

Labcorp Genetics (formerly Invitae), Labcorp
Classification: Uncertain significance for Fanconi anemia complementation group Q; Xeroderma pigmentosum, group F; Cockayne syndrome. Last evaluated: 2022-07-23. Review status: criteria provided, single submitter. Criteria: Invitae Variant Classification Sherloc (09022015). Collection method: clinical testing. Allele origin: germline.
Comment: In summary, the available evidence is currently insufficient to determine the role of this variant in disease. Therefore, it has been classified as a Variant of Uncertain Significance. Algorithms developed to predict the effect of sequence changes on RNA splicing suggest that this variant may disrupt the consensus splice site. Algorithms developed to predict the effect of missense changes on protein structure and function (SIFT, PolyPhen-2, Align-GVGD) all suggest that this variant is likely to be tolerated. This variant has not been reported in the literature in individuals affected with ERCC4-related conditions. This variant is present in population databases (rs373565480, gnomAD 0.003%). This sequence change replaces arginine, which is basic and polar, with cysteine, which is neutral and slightly polar, at codon 618 of the ERCC4 protein (p.Arg618Cys).

Blueprint Genetics
Classification: Uncertain significance. Last evaluated: 2022-03-11. Review status: criteria provided, single submitter. Criteria: ACMG Guidelines, 2015. Collection method: clinical testing. Allele origin: germline.